The following is an entry in ClinVar:

NM_001330260.2(SCN8A):c.3290C>T (p.Pro1097Leu)

Gene: SCN8A (sodium voltage-gated channel alpha subunit 8; plus strand). Cytogenetic location: 12q13.13.
Variant type: single nucleotide variant.
Coding change: c.3290C>T on transcript NM_001330260.2 (MANE Select); coding-DNA position 3290, C replaced by T.
Protein change: p.Pro1097Leu; replaces proline 1097 with leucine.
Molecular consequence: missense variant.
Genome position (GRCh38, 1-based): chr12:51,769,253, C>T. VCF-style: chr12-51769253-C-T. GRCh37 (hg19) VCF-style: chr12-52163037-C-T.
Other names: c.3290C>T, p.Pro1097Leu (NM_001177984.3, NM_001369788.1, NM_014191.4); short protein forms P1097L.
Identifiers: ClinVar variation 3361259 (VCV003361259.2).

ClinVar aggregate classification (germline): Uncertain significance (1 of 4 stars; one submission).

gnomAD v4.1: 1 of 1,612,734 alleles (0.000062%); highest among the groups gnomAD compares: Non-Finnish European, 0.000085%; no homozygotes.

Submission:

GeneDx
Classification: Uncertain significance. Last evaluated: 2025-05-09. Review status: criteria provided, single submitter. Criteria: GeneDx Variant Classification Process June 2021. Collection method: clinical testing. Allele origin: germline.
Comment: Not observed at significant frequency in large population cohorts (gnomAD); In silico analysis supports that this missense variant has a deleterious effect on protein structure/function; This substitution is predicted to be within the Cytoplasmic loop between the second and third homologous domains; Has not been previously published as pathogenic or benign to our knowledge